The following is an entry in ClinVar:

NM_000465.4(BARD1):c.109A>T (p.Ser37Cys)

Gene: BARD1 (BRCA1 associated RING domain 1; minus strand). Cytogenetic location: 2q35.
Variant type: single nucleotide variant.
Coding change: c.109A>T on transcript NM_000465.4 (MANE Select); coding-DNA position 109, A replaced by T.
Protein change: p.Ser37Cys; replaces serine 37 with cysteine.
Molecular consequence: missense variant. On other transcripts: non-coding transcript variant (3).
Genome position (GRCh38, 1-based): chr2:214,809,461, T>A on the plus strand (A>T on the coding strand, the complement: BARD1 is on the minus strand). VCF-style: chr2-214809461-T-A. GRCh37 (hg19) VCF-style: chr2-215674185-T-A.
Other names: c.109A>T, p.Ser37Cys (NM_001282543.2, NM_001282545.2, NM_001282548.2 and 1 more transcripts); short protein forms S37C.
Identifiers: ClinVar variation 2450482 (VCV002450482.2), dbSNP rs1064793565, ClinGen allele CA350464991.

ClinVar aggregate classification (germline): Uncertain significance (1 of 4 stars; one submission).

Conditions:
Hereditary cancer-predisposing syndrome. Also called: Neoplastic Syndromes, Hereditary; Tumor predisposition; Hereditary neoplastic syndrome; Hereditary Cancer Syndrome. Identifiers: Orphanet 140162, MedGen C0027672, MeSH D009386, MONDO:0015356.

Submission:

Ambry Genetics
Classification: Uncertain significance for Hereditary cancer-predisposing syndrome. Last evaluated: 2023-02-12. Review status: criteria provided, single submitter. Criteria: Ambry Variant Classification Scheme 2023. Collection method: clinical testing. Allele origin: germline.
Comment: The p.S37C variant (also known as c.109A>T), located in coding exon 1 of the BARD1 gene, results from an A to T substitution at nucleotide position 109. The serine at codon 37 is replaced by cysteine, an amino acid with dissimilar properties. This amino acid position is conserved. In addition, the in silico prediction for this alteration is inconclusive. Since supporting evidence is limited at this time, the clinical significance of this alteration remains unclear.